The following is an entry in ClinVar:

NM_000179.3(MSH6):c.2065_2073dup (p.Leu691_Lys692insPheTyrLeu)

Gene: MSH6 (mutS homolog 6; plus strand). Cytogenetic location: 2p16.3.
Variant type: Duplication.
Coding change: c.2065_2073dup on transcript NM_000179.3 (MANE Select); coding-DNA positions 2065 to 2073, 9 bases duplicated (TTCTACCTC; older notation c.2065_2073dupTTCTACCTC).
Protein change: p.Leu691_Lys692insPheTyrLeu.
Molecular consequence: inframe insertion. On other transcripts: inframe indel (35).
Genome position (GRCh38, 1-based): chr2:47,800,048-47,800,056, TTCTACCTC duplicated; duplicating any 9 consecutive bases within chr2:47,800,046-47,800,056 gives the same sequence; the c. name uses the placement nearest the transcript's 3' end. VCF-style (leftmost placement, unchanged base first): chr2-47800045-G-GTCTTCTACC. GRCh37 (hg19) VCF-style: chr2-48027184-G-GTCTTCTACC.
Other names: c.1675_1683dup, p.Leu561_Lys562insPheTyrLeu (NM_001281492.2); c.1159_1167dup, p.Leu389_Lys390insPheTyrLeu (NM_001281493.2, NM_001281494.2, NM_001406811.1 and 6 more transcripts); c.2161_2169dup, p.Leu723_Lys724insPheTyrLeu (NM_001406795.1, NM_001406802.1); c.2065_2073dup, p.Leu691_Lys692insPheTyrLeu (NM_001406796.1, NM_001406798.1, NM_001406800.1 and 3 more transcripts); c.1768_1776dup, p.Leu592_Lys593insPheTyrLeu (NM_001406797.1, NM_001406801.1, NM_001406805.1 and 10 more transcripts); c.1540_1548dup, p.Leu516_Lys517insPheTyrLeu (NM_001406799.1, NM_001406806.1, NM_001406807.1); c.1987_1995dup, p.Leu665_Lys666insPheTyrLeu (NM_001406804.1); c.2071_2079dup, p.Leu693_Lys694insPheTyrLeu (NM_001406813.1); and 2 more.
Identifiers: ClinVar variation 1785279 (VCV001785279.2), dbSNP rs2530648209, ClinGen allele CA2580067752.

ClinVar aggregate classification (germline): Uncertain significance (1 of 4 stars; one submission).

Conditions:
Hereditary cancer-predisposing syndrome. Also called: Neoplastic Syndromes, Hereditary; Tumor predisposition; Hereditary Cancer Syndrome; Hereditary neoplastic syndrome. Identifiers: Orphanet 140162, MedGen C0027672, MeSH D009386, MONDO:0015356.

Submission:

Ambry Genetics
Classification: Uncertain significance for Hereditary cancer-predisposing syndrome. Last evaluated: 2018-05-21. Review status: criteria provided, single submitter. Criteria: Ambry Variant Classification Scheme 2023. Collection method: clinical testing. Allele origin: germline.
Comment: The c.2065_2073dupTTCTACCTC variant (also known as p.F689_L691dup) is located in coding exon 4 of the MSH6 gene. This variant results from an in-frame duplication of 9 nucleotides at positions 2065 to 2073. This results in the insertion of 3 amino acids between codons 689 and 691. Since supporting evidence is limited at this time, the clinical significance of this alteration remains unclear.